The following is an entry in ClinVar:

ClinVar aggregate classification (germline): Uncertain significance (1 of 4 stars; one submission).

Conditions:
Hereditary breast ovarian cancer syndrome. Also called: Hereditary breast and ovarian cancer syndrome (HBOC); Hereditary breast and ovarian cancer syndrome; Hereditary breast and/or ovarian cancer syndrome; Hereditary breast and ovarian cancer; Breast and ovarian cancer; BRCA1- and BRCA2-Associated Hereditary Breast and Ovarian Cancer. Identifiers: Orphanet 145, MedGen C0677776, MeSH D061325, MONDO:0003582. Disease mechanism: loss of function.

Submission:

Labcorp Genetics (formerly Invitae), Labcorp
Classification: Uncertain significance for Hereditary breast ovarian cancer syndrome. Last evaluated: 2023-05-05. Review status: criteria provided, single submitter. Criteria: Invitae Variant Classification Sherloc (09022015). Collection method: clinical testing. Allele origin: germline.
Comment: In summary, the available evidence is currently insufficient to determine the role of this variant in disease. Therefore, it has been classified as a Variant of Uncertain Significance. Experimental studies and prediction algorithms are not available or were not evaluated, and the functional significance of this variant is currently unknown. This variant has not been reported in the literature in individuals affected with BRCA1-related conditions. This variant is not present in population databases (gnomAD no frequency). This variant, c.3016_3039del, results in the deletion of 8 amino acid(s) of the BRCA1 protein (p.His1006_Glu1013del), but otherwise preserves the integrity of the reading frame.

NM_007294.4(BRCA1):c.3016_3039del (p.His1006_Glu1013del)

Gene: BRCA1 (BRCA1 DNA repair associated; minus strand). Cytogenetic location: 17q21.31.
Variant type: Deletion.
Coding change: c.3016_3039del on transcript NM_007294.4 (MANE Select); coding-DNA positions 3016 to 3039, 24 bases deleted (CATTCAATGTCACCTGAAAGAGAA).
Protein change: p.His1006_Glu1013del.
Molecular consequence: inframe deletion. On other transcripts: intron variant (137).
Genome position (GRCh38, 1-based): chr17:43,092,492-43,092,515, TTCTCTTTCAGGTGACATTGAATG deleted on the plus strand (CATTCAATGTCACCTGAAAGAGAA on the coding strand, the reverse complement: BRCA1 is on the minus strand); deleting any 24 consecutive bases within chr17:43,092,492-43,092,518 gives the same sequence; the c. name uses the placement nearest the transcript's 3' end. VCF-style (leftmost placement, unchanged base first): chr17-43092491-TTTCTCTTTCAGGTGACATTGAATG-T. GRCh37 (hg19) VCF-style: chr17-41244508-TTTCTCTTTCAGGTGACATTGAATG-T.
Other names: c.2803_2826del, p.His935_Glu942del (NM_001407571.1, NM_001407853.1, NM_001407894.1 and 9 more transcripts); c.3016_3039del, p.His1006_Glu1013del (NM_001407581.1, NM_001407582.1, NM_001407583.1 and 30 more transcripts); c.3013_3036del, p.His1005_Glu1012del (NM_001407587.1, NM_001407590.1, NM_001407591.1 and 22 more transcripts); c.3007_3030del, p.His1003_Glu1010del (NM_001407646.1, NM_001407647.1); c.2893_2916del, p.His965_Glu972del (NM_001407648.1, NM_001407664.1, NM_001407665.1 and 19 more transcripts); c.2890_2913del, p.His964_Glu971del (NM_001407649.1, NM_001407670.1, NM_001407671.1 and 11 more transcripts); c.2938_2961del, p.His980_Glu987del (NM_001407653.1, NM_001407654.1, NM_001407655.1 and 4 more transcripts); c.2935_2958del, p.His979_Glu986del (NM_001407659.1, NM_001407660.1, NM_001407661.1 and 1 more transcripts); and 41 more.
Identifiers: ClinVar variation 2859981 (VCV002859981.3), dbSNP rs2552174336, ClinGen allele CA2739265600.